The following is an entry in ClinVar:

NM_004606.5(TAF1):c.1584G>A (p.Lys528=)

Gene: TAF1 (TATA-box binding protein associated factor 1; plus strand). Cytogenetic location: Xq13.1.
Variant type: single nucleotide variant.
Coding change: c.1584G>A on transcript NM_004606.5 (MANE Select); coding-DNA position 1584, G replaced by A.
Protein change: p.Lys528=; no amino-acid change (lysine 528 retained).
Molecular consequence: synonymous variant. On other transcripts: non-coding transcript variant (9).
Genome position (GRCh38, 1-based): chrX:71,382,582, G>A. VCF-style: chrX-71382582-G-A. GRCh37 (hg19) VCF-style: chrX-70602432-G-A.
Other names: c.1584G>A, p.Lys528= (NM_001286074.2); c.1521G>A, p.Lys507= (NM_138923.4).
Identifiers: ClinVar variation 1305194 (VCV001305194.2), dbSNP rs372135116, ClinGen allele CA331010041.
Genomic context (GRCh38, chrX:71,382,582, plus strand): 5'-TGTTTTATTCTCAGAAATTCCTGATGAGAAGGAAGAGGCCACCTCTAACTCCCCCTCCAA[G>A]GAGAGTAAGAAGGAATCATCTCTGAAGAAGAGTCGAATTCTCTTAGGGAAAACAGGAGTC-3'
Protein context (NP_004597.3, residues 518-538): KEEATSNSPS[Lys528=]ESKKESSLKK

ClinVar aggregate classification (germline): Uncertain significance (1 of 4 stars; one submission).

Allele frequency attached by ClinVar (database versions not stated): gnomAD 0.00001; gnomAD exomes 0.00001; TOPMed 0.00002; ESP Exome Variant Server 0.00009.
gnomAD v4.1: 9 of 1,209,472 alleles (0.00074%); highest among the groups gnomAD compares: Non-Finnish European, 0.00089%; no homozygotes.

Submission:

GeneDx
Classification: Uncertain significance. Last evaluated: 2019-04-15. Review status: criteria provided, single submitter. Criteria: GeneDx Variant Classification Process June 2021. Collection method: clinical testing. Allele origin: germline. Affected: yes.
Comment: Not observed in large population cohorts (Lek et al., 2016); Has not been previously published as pathogenic or benign to our knowledge; In silico analysis, which includes splice predictors and evolutionary conservation, suggests this variant may impact gene splicing. In the absence of RNA/functional studies, the actual effect of this sequence change is unknown.